The following is an entry in ClinVar:

ClinVar aggregate classification (germline): Pathogenic/Likely pathogenic. Review status: criteria provided, multiple submitters, no conflicts (2 of 4 stars). 5 submissions from 5 submitters: Pathogenic (4); Likely pathogenic (1). Last evaluated 2025-05-26.

Conditions:
Tubulinopathy. Also called: Tubulinopathies. Identifiers: MedGen CN850169, MONDO:0100153.
Lissencephaly due to TUBA1A mutation (CDCBM16). Also called: Lissencephaly 3; CORTICAL DYSPLASIA, COMPLEX, WITH OTHER BRAIN MALFORMATIONS 16. Identifiers: Orphanet 171680, MedGen C4305153, MONDO:0012703, OMIM 611603.

Submissions (5):

Labcorp Genetics (formerly Invitae), Labcorp
Classification: Pathogenic. Last evaluated: 2025-05-26. Review status: criteria provided, single submitter. Criteria: Invitae Variant Classification Sherloc (09022015). Collection method: clinical testing. Allele origin: germline.
Comment: This sequence change replaces valine, which is neutral and non-polar, with isoleucine, which is neutral and non-polar, at codon 409 of the TUBA1A protein (p.Val409Ile). This variant is not present in population databases (gnomAD no frequency). This missense change has been observed in individuals with tubulin-related cortical malformations (PMID: 24860126, 25140959; internal data). ClinVar contains an entry for this variant (Variation ID: 625504). Invitae Evidence Modeling of protein sequence and biophysical properties (such as structural, functional, and spatial information, amino acid conservation, physicochemical variation, residue mobility, and thermodynamic stability) indicates that this missense variant is not expected to disrupt TUBA1A protein function with a negative predictive value of 80%. Experimental studies have shown that this missense change affects TUBA1A function (PMID: 35511030). Algorithms developed to predict the effect of sequence changes on RNA splicing suggest that this variant may create or strengthen a splice site. This variant disrupts the p.Val409 amino acid residue in TUBA1A. Other variant(s) that disrupt this residue have been determined to be pathogenic (PMID: 24860126). This suggests that this residue is clinically significant, and that variants that disrupt this residue are likely to be disease-causing. For these reasons, this variant has been classified as Pathogenic.

Broad Center for Mendelian Genomics, Broad Institute of MIT and Harvard
Classification: Likely pathogenic for Lissencephaly due to TUBA1A mutation. Last evaluated: 2024-05-22. Review status: criteria provided, single submitter. Criteria: ACMG Guidelines, 2015. Collection method: curation. Allele origin: germline. Inheritance: Autosomal dominant inheritance.
Comment: This variant has been reported in 2 individuals with lissencephaly 3 (PMIDs: 24860126, 25140959), and was absent from large population studies. This variant was found to be de novo in one individual without confirmed paternity and maternity (PMID: 24860126). The number of reported affected individuals with this variant is slightly greater than expected compared to non-affected individuals with this variant. This variant has also been reported in ClinVar (Variation ID: 625504) and has been interpreted as pathogenic by two submitters and uncertain significance by one. In vitro functional studies provide some evidence that the p.Val409Ile variant may impact protein function (PMID: 35511030). However, these types of assays may not accurately represent biological function. Computational prediction tools and conservation analyses suggest that this variant may impact the protein, though this information is not predictive enough to determine pathogenicity. The number of missense variants reported in TUBA1A in the general population is lower than expected, suggesting there is little benign variation in this gene and slightly increasing the possibility that a missense variant in this gene may not be tolerated. One additional likely pathogenic variant, resulting in a different amino acid change at the same position, (p.Val409Ala), have been reported in association with disease in the literature, supporting that a change at this position may not be tolerated (Variation ID: 208490). In summary, although additional studies are required to fully establish its clinical significance, this variant is likely pathogenic for autosomal dominant lissencephaly 3. ACMG/AMP Criteria applied: PS4_Supporting, PM2_Supporting, PS3_Moderate, PP3_Moderate, PP2, PM5_Supporting (Richards 2015).

Victorian Clinical Genetics Services, Murdoch Childrens Research Institute
Classification: Pathogenic for Lissencephaly due to TUBA1A mutation. Last evaluated: 2023-12-21. Review status: criteria provided, single submitter. Criteria: ACMG Guidelines, 2015. Collection method: clinical testing. Allele origin: germline. Inheritance: Autosomal dominant inheritance. Affected: yes.
Comment: Based on the classification scheme VCGS_Germline_v1.3.4, this variant is classified as Pathogenic. Following criteria are met: 0104 - Dominant negative is a known mechanism of disease in this gene and is associated with lissencephaly 3 (MIM#611603; PMIDs: 20466733, 30517687). (I) 0107 - This gene is associated with autosomal dominant disease. (I) 0200 - Variant is predicted to result in a missense amino acid change from valine to isoleucine. (I) 0251 - This variant is heterozygous. (I) 0301 - Variant is absent from gnomAD (both v2 and v3). (SP) 0502 - Missense variant with conflicting in silico predictions and uninformative conservation. (I) 0603 - Missense variant in a region that is highly intolerant to missense variation (high constraint region in DECIPHER). (SP) 0703 - Another missense variant comparable to the one identified in this case has moderate previous evidence for pathogenicity. p.(Val409Ala) has been reported many times as likely pathogenic and pathogenic (ClinVar), and reported in the literature in an individual with agenesis of the corpus callosum, lissencephaly with cerebellar hypoplasia (PMID: 24860126). (SP) 0802 - This variant has moderate previous evidence of pathogenicity in unrelated individuals. This variant has been reported once as pathogenic (ClinVar), and observed in at least two individuals with central pachygyria or pachygyria and other brain anomalies (PMID: 24860126, PMID: 25140959). (SP) 0905 - No published segregation evidence has been identified for this variant. (I) 1002 - This variant has moderate functional evidence supporting abnormal protein function. Ectopic expression in mice resulted in disruptions in neuronal migration with excessive neurite branching, and transfected budding yeast demonstrated intrinsically faster microtubule polymerization rates in cells (PMID: 35511030). (I) Legend: (SP) - Supporting pathogenic, (I) - Information, (SB) - Supporting benign

GeneDx
Classification: Pathogenic. Last evaluated: 2020-10-23. Review status: criteria provided, single submitter. Criteria: GeneDx Variant Classification Process June 2021. Collection method: clinical testing. Allele origin: germline. Affected: yes.
Comment: Not observed in large population cohorts (Lek et al., 2016); Missense variants in this gene are often considered pathogenic (Stenson et al., 2014); In silico analysis supports that this missense variant does not alter protein structure/function; This variant is associated with the following publications: (PMID: 31574570, 33064843, 25140959, 24860126)

Institute of Human Genetics, FAU Erlangen, Friedrich-Alexander-Universität Erlangen-Nürnberg
Classification: Pathogenic for Tubulinopathies. Last evaluated: 2018-07-01. Review status: criteria provided, single submitter. Criteria: ACMG Guidelines, 2015. Collection method: literature only. Allele origin: de novo. Affected: yes. Observed: 1 variant allele.
Comment: The c.1225G>A, p.(Val409Ile) variant has been reported as a variant of de novo origin. This variant and associated phenotype was previously reported by Bahi-Buisson et al. Brain, 2014 PMID: 24860126. Pachygyria (HP:0001302); no Abnormal cerebellum morphology (-HP:0001317); Microcephaly (HP:0000252)

Literature cited by the submitters: PubMed 24860126 (cited by Labcorp Genetics (formerly Invitae), Labcorp and Victorian Clinical Genetics Services, Murdoch Childrens Research Institute); PubMed 25140959 (cited by Labcorp Genetics (formerly Invitae), Labcorp and Victorian Clinical Genetics Services, Murdoch Childrens Research Institute); PubMed 35511030 (cited by 3 submitters); PubMed 20466733 (cited by Victorian Clinical Genetics Services, Murdoch Childrens Research Institute); PubMed 30517687 (cited by Victorian Clinical Genetics Services, Murdoch Childrens Research Institute); PubMed 30744660 (cited by Institute of Human Genetics, FAU Erlangen, Friedrich-Alexander-Universität Erlangen-Nürnberg); DOI 10.1101/427948 (cited by Institute of Human Genetics, FAU Erlangen, Friedrich-Alexander-Universität Erlangen-Nürnberg).

NM_006009.4(TUBA1A):c.1225G>A (p.Val409Ile)

Gene: TUBA1A (tubulin alpha 1a; minus strand). Cytogenetic location: 12q13.12.
Variant type: single nucleotide variant.
Coding change: c.1225G>A on transcript NM_006009.4 (MANE Select); coding-DNA position 1225, G replaced by A.
Protein change: p.Val409Ile; replaces valine 409 with isoleucine.
Molecular consequence: missense variant.
Genome position (GRCh38, 1-based): chr12:49,185,141, C>T on the plus strand (G>A on the coding strand, the complement: TUBA1A is on the minus strand). VCF-style: chr12-49185141-C-T. GRCh37 (hg19) VCF-style: chr12-49578924-C-T.
Other names: NM_006009.4(TUBA1A):c.1225G>A; p.Val409Ile; c.1225G>A, p.Val409Ile (NM_001270399.2); c.1120G>A, p.Val374Ile (NM_001270400.2); short protein forms V409I, V374I.
Identifiers: ClinVar variation 625504 (VCV000625504.9), dbSNP rs1565626928, ClinGen allele CA384634444.
Genomic context (GRCh38, chr12:49,185,141, plus strand): 5'-CAAGGGCAGCCATGTCCTCACGGGCCTCTGAAAACTCACCTTCCTCCATCCCCTCCCCAA[C>T]GTACCAGTGAACAAAGGCACGTTTGGCATACATCAGGTCAAACTTGTGGTCCAGGCGAGC-3'
Protein context (NP_006000.2, residues 399-419): YAKRAFVHWY[Val409Ile]GEGMEEGEFS